The following is an entry in ClinVar:

ClinVar aggregate classification (germline): Uncertain significance (1 of 4 stars; one submission).

Conditions:
Hereditary cancer-predisposing syndrome. Also called: Tumor predisposition; Neoplastic Syndromes, Hereditary; Hereditary Cancer Syndrome; Hereditary neoplastic syndrome. Identifiers: Orphanet 140162, MedGen C0027672, MeSH D009386, MONDO:0015356.

Submission:

Ambry Genetics
Classification: Uncertain significance for Hereditary cancer-predisposing syndrome. Last evaluated: 2024-07-15. Review status: criteria provided, single submitter. Criteria: Ambry Variant Classification Scheme 2023. Collection method: clinical testing. Allele origin: germline.
Comment: The p.Y2215S variant (also known as c.6644A>C), located in coding exon 10 of the BRCA2 gene, results from an A to C substitution at nucleotide position 6644. The tyrosine at codon 2215 is replaced by serine, an amino acid with dissimilar properties. This amino acid position is conserved. In addition, the in silico prediction for this alteration is inconclusive. Based on the available evidence, the clinical significance of this variant remains unclear.

NM_000059.4(BRCA2):c.6644A>C (p.Tyr2215Ser)

Gene: BRCA2 (BRCA2 DNA repair associated; plus strand). Cytogenetic location: 13q13.1.
Variant type: single nucleotide variant.
Coding change: c.6644A>C on transcript NM_000059.4 (MANE Select); coding-DNA position 6644, A replaced by C.
Protein change: p.Tyr2215Ser; replaces tyrosine 2215 with serine.
Molecular consequence: missense variant. On other transcripts: non-coding transcript variant (1), intron variant (2).
Genome position (GRCh38, 1-based): chr13:32,340,999, A>C. VCF-style: chr13-32340999-A-C. GRCh37 (hg19) VCF-style: chr13-32915136-A-C.
Other names: c.6644A>C, p.Tyr2215Ser (NM_001406719.1, NM_001406720.1, NM_001432077.1); c.1910-3559A>C (NM_001406721.1); c.425-3559A>C (NM_001406722.1); short protein forms Y2215S.
Identifiers: ClinVar variation 3482025 (VCV003482025.1).
Genomic context (GRCh38, chr13:32,340,999, plus strand): 5'-GTAAAACTGAAACTTTTTCTGATGTTCCTGTGAAAACAAATATAGAAGTTTGTTCTACTT[A>C]CTCCAAAGATTCAGAAAACTACTTTGAAACAGAAGCAGTAGAAATTGCTAAAGCTTTTAT-3'
Protein context (NP_000050.3, residues 2205-2225): VKTNIEVCST[Tyr2215Ser]SKDSENYFET